The following is an entry in ClinVar:

ClinVar aggregate classification (germline): Uncertain significance (1 of 4 stars; one submission).

Conditions:
Tietz syndrome (TADS). Also called: ALBINISM-DEAFNESS OF TIETZ; HYPOPIGMENTATION/DEAFNESS OF TIETZ; TIETZ ALBINISM-DEAFNESS SYNDROME. Identifiers: Orphanet 42665, MedGen C0391816, MONDO:0007077, OMIM 103500.
Waardenburg syndrome type 2A (WS2A). Also called: WAARDENBURG SYNDROME WITHOUT DYSTOPIA CANTHORUM. Identifiers: Orphanet 3440, MedGen C1860339, MONDO:0008671, OMIM 193510.
Melanoma, cutaneous malignant, susceptibility to, 8. Also called: MELANOMA AND RENAL CELL CARCINOMA, SUSCEPTIBILITY TO; Cutaneous malignant melanoma 8. Identifiers: Orphanet 293822, MedGen C3152204, MONDO:0013759, OMIM 614456.

Submission:

Labcorp Genetics (formerly Invitae), Labcorp
Classification: Uncertain significance for Melanoma, cutaneous malignant, susceptibility to, 8; Waardenburg syndrome type 2A; Tietz syndrome. Last evaluated: 2025-06-22. Review status: criteria provided, single submitter. Criteria: Invitae Variant Classification Sherloc (09022015). Collection method: clinical testing. Allele origin: germline.
Comment: This sequence change replaces isoleucine, which is neutral and non-polar, with leucine, which is neutral and non-polar, at codon 224 of the MITF protein (p.Ile224Leu). This variant is not present in population databases (gnomAD no frequency). This variant has not been reported in the literature in individuals affected with MITF-related conditions. Invitae Evidence Modeling of protein sequence and biophysical properties (such as structural, functional, and spatial information, amino acid conservation, physicochemical variation, residue mobility, and thermodynamic stability) indicates that this missense variant is expected to disrupt MITF protein function with a positive predictive value of 80%. In summary, the available evidence is currently insufficient to determine the role of this variant in disease. Therefore, it has been classified as a Variant of Uncertain Significance.

NM_001354604.2(MITF):c.991A>C (p.Ile331Leu)

Gene: MITF (melanocyte inducing transcription factor; plus strand). Cytogenetic location: 3p13.
Variant type: single nucleotide variant.
Coding change: c.991A>C on transcript NM_001354604.2 (MANE Select); coding-DNA position 991, A replaced by C.
Protein change: p.Ile331Leu; replaces isoleucine 331 with leucine.
Molecular consequence: missense variant.
Genome position (GRCh38, 1-based): chr3:69,956,490, A>C. VCF-style: chr3-69956490-A-C. GRCh37 (hg19) VCF-style: chr3-70005641-A-C.
Other names: c.670A>C, p.Ile224Leu (NM_000248.4); c.817A>C, p.Ile273Leu (NM_001184967.2, NM_001354608.2); c.988A>C, p.Ile330Leu (NM_001354605.2); c.970A>C, p.Ile324Leu (NM_001354606.2, NM_006722.3); c.922A>C, p.Ile308Leu (NM_001354607.2); c.652A>C, p.Ile218Leu (NM_198158.3); c.973A>C, p.Ile325Leu (NM_198159.3); c.925A>C, p.Ile309Leu (NM_198177.3); and 1 more; short protein forms I308L, I325L, I330L, I162L, I309L, I324L, I218L, I331L.
Identifiers: ClinVar variation 4783200 (VCV004783200.1).
Genomic context (GRCh38, chr3:69,956,490, plus strand): 5'-CCTTTCCTGTGCTCTTTTCTTGAAGTTGAACGAAGAAGAAGATTTAACATAAATGACCGC[A>C]TTAAAGAACTAGGTACTTTGATTCCCAAGTCAAATGATCCGTGAGTACAATCGCGTGTTA-3'
Protein context (NP_001341533.1, residues 321-341): RRRRFNINDR[Ile331Leu]KELGTLIPKS